The following is an entry in ClinVar:

ClinVar aggregate classification (germline): Likely benign. Review status: criteria provided, multiple submitters, no conflicts (2 of 4 stars). 3 submissions from 3 submitters: Likely benign (2). 1 of the submissions does not count toward it. Last evaluated 2025-07-18.

Conditions:
CFB-related disorder. Also called: CFB-related disorders; CFB-related condition.

Allele frequency attached by ClinVar (database versions not stated): ExAC 0.00004; gnomAD exomes 0.00004; gnomAD 0.00019 and 0.00021; TOPMed 0.00023; ESP Exome Variant Server 0.00047.
gnomAD v4.1: 43 of 1,612,896 alleles (0.0027%); highest among the groups gnomAD compares: African/African-American, 0.055%; no homozygotes.

Submissions (3):

Labcorp Genetics (formerly Invitae), Labcorp
Classification: Likely benign. Last evaluated: 2025-07-18. Review status: criteria provided, single submitter. Criteria: Invitae Variant Classification Sherloc (09022015). Collection method: clinical testing. Allele origin: germline.

Blueprint Genetics
Classification: Likely benign. Last evaluated: 2023-05-30. Review status: criteria provided, single submitter. Criteria: ACMG Guidelines, 2015. Collection method: clinical testing. Allele origin: germline.

PreventionGenetics, part of Exact Sciences
Classification: Likely benign for CFB-related condition. Last evaluated: 2020-01-28. Review status: no assertion criteria provided. Collection method: clinical testing. Allele origin: germline. Not counted in ClinVar's aggregate classification.
Comment: This variant is classified as likely benign based on ACMG/AMP sequence variant interpretation guidelines (Richards et al. 2015 PMID: 25741868, with internal and published modifications).

NM_001710.6(CFB):c.549T>C (p.Leu183=)

Gene: CFB (complement factor B; plus strand). Cytogenetic location: 6p21.33.
Variant type: single nucleotide variant.
Coding change: c.549T>C on transcript NM_001710.6 (MANE Select); coding-DNA position 549, T replaced by C.
Protein change: p.Leu183=; no amino-acid change (leucine 183 retained).
Molecular consequence: synonymous variant.
Genome position (GRCh38, 1-based): chr6:31,947,412, T>C. VCF-style: chr6-31947412-T-C. GRCh37 (hg19) VCF-style: chr6-31915189-T-C.
Other names: c.549T>C (NM_001710.5).
Identifiers: ClinVar variation 1558690 (VCV001558690.11), dbSNP rs372858061, ClinGen allele CA3728070.